The following is an entry in ClinVar:

NM_000051.4(ATM):c.6437G>A (p.Ser2146Asn)

Genes: ATM (ATM serine/threonine kinase; plus strand), C11orf65 (chromosome 11 open reading frame 65; minus strand). Cytogenetic location: 11q22.3.
Variant type: single nucleotide variant.
Coding change: c.6437G>A on transcript NM_000051.4 (MANE Select); coding-DNA position 6437, G replaced by A.
Protein change: p.Ser2146Asn; replaces serine 2146 with asparagine.
Molecular consequence: missense variant. On other transcripts: intron variant (2).
Genome position (GRCh38, 1-based): chr11:108,320,043, G>A. VCF-style: chr11-108320043-G-A. GRCh37 (hg19) VCF-style: chr11-108190770-G-A.
Other names: c.6437G>A, p.Ser2146Asn (NM_001351834.2); c.641-10972C>T (NM_001330368.2); c.*39-10972C>T (NM_001351110.2); short protein forms S2146N.
Identifiers: ClinVar variation 934522 (VCV000934522.9), dbSNP rs56815840, ClinGen allele CA382553587.
Genomic context (GRCh38, chr11:108,320,043, plus strand): 5'-AATCATTGTACAATGCTCTACAATCTCTAAGAGACAGAGAATTCTCTACATTTTATGAAA[G>A]TCTCAAATATGCCAGGTATTATGAAAAGACAAAGTTACTGTATTTTAACATTTAATGTCA-3'
Protein context (NP_000042.3, residues 2136-2156): RDREFSTFYE[Ser2146Asn]LKYARVKEVE

ClinVar aggregate classification (germline): Uncertain significance. Review status: criteria provided, multiple submitters, no conflicts (2 of 4 stars). 2 submissions from 2 submitters: Uncertain significance (2). Last evaluated 2023-03-25.

Conditions:
Ataxia-telangiectasia syndrome (AT). Also called: Ataxia-telangiectasia, complementation group D; AT, COMPLEMENTATION GROUP C; ATAXIA-TELANGIECTASIA, COMPLEMENTATION GROUP A; ATAXIA-TELANGIECTASIA, FRESNO VARIANT; Ataxia-telangiectasia; Ataxia telangiectasia (A-T). Identifiers: Orphanet 100, MedGen C0004135, MONDO:0008840, OMIM 208900.

Submissions (2):

Women's Health and Genetics/Laboratory Corporation of America, LabCorp
Classification: Uncertain significance. Last evaluated: 2023-03-25. Review status: criteria provided, single submitter. Criteria: LabCorp Variant Classification Summary - May 2015. Collection method: clinical testing. Allele origin: germline.

Labcorp Genetics (formerly Invitae), Labcorp
Classification: Uncertain significance for Ataxia-telangiectasia syndrome. Last evaluated: 2021-09-01. Review status: criteria provided, single submitter. Criteria: Invitae Variant Classification Sherloc (09022015). Collection method: clinical testing. Allele origin: germline.
Comment: This sequence change replaces serine with asparagine at codon 2146 of the ATM protein (p.Ser2146Asn). The serine residue is weakly conserved and there is a small physicochemical difference between serine and asparagine. This variant is not present in population databases (ExAC no frequency). This variant has not been reported in the literature in individuals affected with ATM-related conditions. Algorithms developed to predict the effect of missense changes on protein structure and function (SIFT, PolyPhen-2, Align-GVGD) all suggest that this variant is likely to be tolerated. In summary, the available evidence is currently insufficient to determine the role of this variant in disease. Therefore, it has been classified as a Variant of Uncertain Significance.